The following is an entry in ClinVar:

ClinVar aggregate classification (germline): Uncertain significance (1 of 4 stars; one submission).

Allele frequency attached by ClinVar (database versions not stated): ExAC 0.00001.
gnomAD v4.1: 11 of 1,614,086 alleles (0.00068%); highest among the groups gnomAD compares: South Asian, 0.011%; no homozygotes.

Submission:

Labcorp Genetics (formerly Invitae), Labcorp
Classification: Uncertain significance. Last evaluated: 2022-08-28. Review status: criteria provided, single submitter. Criteria: Invitae Variant Classification Sherloc (09022015). Collection method: clinical testing. Allele origin: germline.
Comment: This variant is present in population databases (rs758572783, gnomAD 0.01%). This sequence change replaces isoleucine, which is neutral and non-polar, with leucine, which is neutral and non-polar, at codon 52 of the KANK4 protein (p.Ile52Leu). This variant has not been reported in the literature in individuals affected with KANK4-related conditions. Algorithms developed to predict the effect of missense changes on protein structure and function (SIFT, PolyPhen-2, Align-GVGD) all suggest that this variant is likely to be tolerated. In summary, the available evidence is currently insufficient to determine the role of this variant in disease. Therefore, it has been classified as a Variant of Uncertain Significance.

NM_181712.5(KANK4):c.154A>C (p.Ile52Leu)

Gene: KANK4 (KN motif and ankyrin repeat domains 4; minus strand). Cytogenetic location: 1p31.3.
Variant type: single nucleotide variant.
Coding change: c.154A>C on transcript NM_181712.5 (MANE Select); coding-DNA position 154, A replaced by C.
Protein change: p.Ile52Leu; replaces isoleucine 52 with leucine.
Molecular consequence: missense variant. On other transcripts: intron variant (1).
Genome position (GRCh38, 1-based): chr1:62,274,950, T>G on the plus strand (A>C on the coding strand, the complement: KANK4 is on the minus strand). VCF-style: chr1-62274950-T-G. GRCh37 (hg19) VCF-style: chr1-62740622-T-G.
Other names: c.17-3361A>C (NM_001320269.2); short protein forms I52L.
Identifiers: ClinVar variation 2066413 (VCV002066413.4), dbSNP rs758572783, ClinGen allele CA884628.
Genomic context (GRCh38, chr1:62,274,950, plus strand): 5'-TTCGGGGCAGAGTGCTAAATTTGGCCTGCTTGGCCCTTCTGTGGATAGGAATTCTTTTGA[T>G]AGTGTTTCCCTTCTCGATGTCATCCACATACTTGAGGAAGTCCAGGTCTAAATGAAAGCC-3'
Protein context (NP_859063.3, residues 42-62): YVDDIEKGNT[Ile52Leu]KRIPIHRRAK